The following is an entry in ClinVar:

ClinVar aggregate classification (germline): Uncertain significance (1 of 4 stars; one submission).

Conditions:
HIVEP3-related disorder. Also called: HIVEP3-related condition.

Submission:

PreventionGenetics, part of Exact Sciences
Classification: Uncertain significance for HIVEP3-related condition. Last evaluated: 2024-10-06. Review status: criteria provided, single submitter. Criteria: ACMG Guidelines, 2015. Collection method: clinical testing. Allele origin: germline.
Comment: The HIVEP3 c.2606C>T variant is predicted to result in the amino acid substitution p.Thr869Ile. To our knowledge, this variant has not been reported in the literature or in a large population database (gnomAD), indicating this variant is rare. At this time, the clinical significance of this variant is uncertain due to the absence of conclusive functional and genetic evidence.

NM_024503.5(HIVEP3):c.2606C>T (p.Thr869Ile)

Gene: HIVEP3 (HIVEP zinc finger 3; minus strand). Cytogenetic location: 1p34.2.
Variant type: single nucleotide variant.
Coding change: c.2606C>T on transcript NM_024503.5 (MANE Select); coding-DNA position 2606, C replaced by T.
Protein change: p.Thr869Ile; replaces threonine 869 with isoleucine.
Molecular consequence: missense variant.
Genome position (GRCh38, 1-based): chr1:41,582,192, G>A on the plus strand (C>T on the coding strand, the complement: HIVEP3 is on the minus strand). VCF-style: chr1-41582192-G-A. GRCh37 (hg19) VCF-style: chr1-42047863-G-A.
Other names: c.2606C>T, p.Thr869Ile (NM_001127714.3); short protein forms T869I.
Identifiers: ClinVar variation 4990495 (VCV004990495.1).
Genomic context (GRCh38, chr1:41,582,192, plus strand): 5'-CGCTGGGGCCATTGGAACTCCTCAGTCTTCTCAGGTTCCTTAGGGGGCGGCTCTGGCTCT[G>A]TGTCCGGCCGGTCAGGCTCCTCAGTTACTAGGATCTCAGGAACCTGAATGTTGGGCTGGC-3'
Protein context (NP_078779.2, residues 859-879): LVTEEPDRPD[Thr869Ile]EPEPPPKEPE